The following is an entry in ClinVar:

NM_006031.6(PCNT):c.6828G>T (p.Leu2276=)

Gene: PCNT (pericentrin; plus strand). Cytogenetic location: 21q22.3.
Variant type: single nucleotide variant.
Coding change: c.6828G>T on transcript NM_006031.6 (MANE Select); coding-DNA position 6828, G replaced by T.
Protein change: p.Leu2276=; no amino-acid change (leucine 2276 retained).
Molecular consequence: synonymous variant.
Genome position (GRCh38, 1-based): chr21:46,416,746, G>T. VCF-style: chr21-46416746-G-T. GRCh37 (hg19) VCF-style: chr21-47836660-G-T.
Other names: c.6474G>T, p.Leu2158= (NM_001315529.2).
Identifiers: ClinVar variation 4993509 (VCV004993509.1).

ClinVar aggregate classification (germline): Likely benign (1 of 4 stars; one submission).

Conditions:
PCNT-related disorder. Also called: PCNT-related condition.

Submission:

PreventionGenetics, part of Exact Sciences
Classification: Likely benign for PCNT-related condition. Last evaluated: 2025-09-24. Review status: criteria provided, single submitter. Criteria: ACMG Guidelines, 2015. Collection method: clinical testing. Allele origin: germline.
Comment: This variant is classified as likely benign based on ACMG/AMP sequence variant interpretation guidelines (Richards et al. 2015 PMID: 25741868, with internal and published modifications).